The following is an entry in ClinVar:

ClinVar aggregate classification (germline): Uncertain significance (1 of 4 stars; one submission).

Submission:

Women's Health and Genetics/Laboratory Corporation of America, LabCorp
Classification: Uncertain significance. Last evaluated: 2025-01-20. Review status: criteria provided, single submitter. Criteria: LabCorp Variant Classification Summary - May 2015. Collection method: clinical testing. Allele origin: germline.
Comment: Variant summary: SOX3 c.224C>A (p.Ala75Glu) results in a non-conservative amino acid change in the encoded protein sequence. Three of five in-silico tools predict a damaging effect of the variant on protein function. The frequency data for this variant in gnomAD is considered unreliable, as metrics indicate poor data quality at this position. To our knowledge, no occurrence of c.224C>A in individuals affected with SOX3-Related Disorders and no experimental evidence demonstrating its impact on protein function have been reported. No submitters have cited clinical-significance assessments for this variant to ClinVar. Based on the evidence outlined above, the variant was classified as uncertain significance.

NM_005634.3(SOX3):c.224C>A (p.Ala75Glu)

Genes: SOX3 (SRY-box transcription factor 3; minus strand), LOC108281134 (SOX3 promoter region; plus strand). Cytogenetic location: Xq27.1.
Variant type: single nucleotide variant.
Coding change: c.224C>A on transcript NM_005634.3 (MANE Select); coding-DNA position 224, C replaced by A.
Protein change: p.Ala75Glu; replaces alanine 75 with glutamic acid.
Molecular consequence: missense variant.
Genome position (GRCh38, 1-based): chrX:140,504,837, G>T on the plus strand (C>A on the coding strand, the complement: SOX3 is on the minus strand). VCF-style: chrX-140504837-G-T. GRCh37 (hg19) VCF-style: chrX-139587002-G-T.
Other names: short protein forms A75E.
Identifiers: ClinVar variation 3769534 (VCV003769534.2).
Genomic context (GRCh38, chrX:140,504,837, plus strand): 5'-GCCGCTTGTGTGGGTGTCCCTACGGGGTTCTTGAGTTCAGTCTCCAGAAGGCTGTACATT[G>T]CCGGGGCGGGAAGAAGGTGCGCCAGCGTGGCGGGAGGAGAAGGCGCTCCCGGGGCTGGAG-3'
Protein context (NP_005625.2, residues 65-85): ATLAHLLPAP[Ala75Glu]MYSLLETELK